The following is an entry in ClinVar:

ClinVar aggregate classification (germline): Likely benign. Review status: criteria provided, single submitter (1 of 4 stars). 2 submissions from 2 submitters: Likely benign (1). 1 of the submissions does not count toward it. Last evaluated 2025-04-30.

Conditions:
ALG8 congenital disorder of glycosylation. Also called: ALG8-CDG; CDG Ih; CONGENITAL DISORDER OF GLYCOSYLATION, TYPE Ih. Identifiers: Orphanet 79325, MedGen C2931002, MONDO:0011969, OMIM 608104.
ALG8-related disorder.

Allele frequency attached by ClinVar (database versions not stated): gnomAD 0.00003 and 0.00004; TOPMed 0.00003.
gnomAD v4.1: 22 of 1,595,368 alleles (0.0014%); highest among the groups gnomAD compares: Middle Eastern, 0.05%; no homozygotes.

Submissions (2):

Labcorp Genetics (formerly Invitae), Labcorp
Classification: Likely benign for ALG8 congenital disorder of glycosylation. Last evaluated: 2025-04-30. Review status: criteria provided, single submitter. Criteria: Invitae Variant Classification Sherloc (09022015). Collection method: clinical testing. Allele origin: germline.

PreventionGenetics, part of Exact Sciences
Classification: Likely benign for ALG8-related condition. Last evaluated: 2024-08-24. Review status: no assertion criteria provided. Collection method: clinical testing. Allele origin: germline. Not counted in ClinVar's aggregate classification.
Comment: This variant is classified as likely benign based on ACMG/AMP sequence variant interpretation guidelines (Richards et al. 2015 PMID: 25741868, with internal and published modifications).

NM_024079.5(ALG8):c.546+7A>T

Gene: ALG8 (ALG8 alpha-1,3-glucosyltransferase; minus strand). Cytogenetic location: 11q14.1.
Variant type: single nucleotide variant.
Coding change: c.546+7A>T on transcript NM_024079.5 (MANE Select); 7 bases into the intron after coding-DNA position 546, A replaced by T.
Molecular consequence: intron variant.
Genome position (GRCh38, 1-based): chr11:78,119,175, T>A on the plus strand (A>T on the coding strand, the complement: ALG8 is on the minus strand). VCF-style: chr11-78119175-T-A. GRCh37 (hg19) VCF-style: chr11-77830221-T-A.
Other names: c.546+7A>T (NM_024079.4, NM_001007027.3).
Identifiers: ClinVar variation 1083488 (VCV001083488.10), dbSNP rs771817128, ClinGen allele CA6203442.